The following is an entry in ClinVar:

ClinVar aggregate classification (germline): Uncertain significance. Review status: criteria provided, multiple submitters, no conflicts (2 of 4 stars). 2 submissions from 2 submitters: Uncertain significance (2). Last evaluated 2021-11-26.

Conditions:
Early Myoclonic Encephalopathy. Identifiers: MedGen C0270855.

Submissions (2):

Labcorp Genetics (formerly Invitae), Labcorp
Classification: Uncertain significance for Early Myoclonic Encephalopathy. Last evaluated: 2021-11-26. Review status: criteria provided, single submitter. Criteria: Invitae Variant Classification Sherloc (09022015). Collection method: clinical testing. Allele origin: germline.
Comment: In summary, the available evidence is currently insufficient to determine the role of this variant in disease. Therefore, it has been classified as a Variant of Uncertain Significance. ClinVar contains an entry for this variant (Variation ID: 426332). This variant has not been reported in the literature in individuals affected with KCND2-related conditions. This variant is not present in population databases (gnomAD no frequency). This sequence change creates a premature translational stop signal (p.Tyr274Trpfs*8) in the KCND2 gene. It is expected to result in an absent or disrupted protein product. However, the current clinical and genetic evidence is not sufficient to establish whether loss-of-function variants in KCND2 cause disease.

GeneDx
Classification: Uncertain significance. Last evaluated: 2017-04-20. Review status: criteria provided, single submitter. Criteria: GeneDx Variant Classification (06012015). Collection method: clinical testing. Allele origin: germline. Affected: yes.
Comment: A variant of uncertain significance has been identified in the KCND2 gene. The c.821_825delACATT variant has not been published as a pathogenic variant, nor has it been reported as a benign variant to our knowledge. The c.821_825delACATT variant is not observed in large population cohorts (Lek et al., 2016; 1000 Genomes Consortium et al., 2015; Exome Variant Server). The c.821_825delACATT variant causes a frameshift starting with codon Tyrosine 274, changes this amino acid to a Tryptophan residue and creates a premature Stop codon at position 8 of the new reading frame, denoted p.Tyr274TrpfsX8. This variant is predicted to cause loss of normal protein function either through protein truncation or nonsense-mediated mRNA decay. Based on the currently available information, it is unclear whether this variant is a pathogenic variant or a rare benign variant.

NM_012281.3(KCND2):c.821_825del (p.Tyr274fs)

Gene: KCND2 (potassium voltage-gated channel subfamily D member 2; plus strand). Cytogenetic location: 7q31.31.
Variant type: Deletion.
Coding change: c.821_825del on transcript NM_012281.3 (MANE Select); coding-DNA positions 821 to 825, 5 bases deleted (ACATT; older notation c.821_825delACATT).
Protein change: p.Tyr274fs; shifts the reading frame from tyrosine 274.
Molecular consequence: frameshift variant.
Genome position (GRCh38, 1-based): chr7:120,275,453-120,275,457, ACATT deleted; deleting any 5 consecutive bases within chr7:120,275,450-120,275,457 gives the same sequence; the c. name uses the placement nearest the transcript's 3' end. VCF-style (leftmost placement, unchanged base first): chr7-120275449-TATTAC-T. GRCh37 (hg19) VCF-style: chr7-119915503-TATTAC-T.
Other names: short protein forms Y274fs.
Identifiers: ClinVar variation 426332 (VCV000426332.7), dbSNP rs1085307570, ClinGen allele CA645294045.